The following is an entry in ClinVar:

ClinVar aggregate classification (germline): Uncertain significance. Review status: criteria provided, multiple submitters, no conflicts (2 of 4 stars). 2 submissions from 2 submitters: Uncertain significance (2). Last evaluated 2024-06-30.

Conditions:
Charcot-Marie-Tooth disease type 2. Also called: Charcot-Marie-Tooth type 2. Identifiers: Orphanet 64746, MedGen C0270914, MONDO:0018993.

gnomAD v4.1: 2 of 1,613,856 alleles (0.00012%); highest among the groups gnomAD compares: Non-Finnish European, 0.00017%; no homozygotes.

Submissions (2):

Labcorp Genetics (formerly Invitae), Labcorp
Classification: Uncertain significance for Charcot-Marie-Tooth disease type 2. Last evaluated: 2024-06-30. Review status: criteria provided, single submitter. Criteria: Invitae Variant Classification Sherloc (09022015). Collection method: clinical testing. Allele origin: germline.
Comment: This sequence change replaces aspartic acid, which is acidic and polar, with histidine, which is basic and polar, at codon 208 of the AARS protein (p.Asp208His). The frequency data for this variant in the population databases is considered unreliable, as metrics indicate poor data quality at this position in the gnomAD database. This variant has not been reported in the literature in individuals affected with AARS-related conditions. ClinVar contains an entry for this variant (Variation ID: 1682296). Advanced modeling of protein sequence and biophysical properties (such as structural, functional, and spatial information, amino acid conservation, physicochemical variation, residue mobility, and thermodynamic stability) performed at Invitae indicates that this missense variant is not expected to disrupt AARS protein function with a negative predictive value of 95%. In summary, the available evidence is currently insufficient to determine the role of this variant in disease. Therefore, it has been classified as a Variant of Uncertain Significance.

GeneDx
Classification: Uncertain significance. Last evaluated: 2022-02-24. Review status: criteria provided, single submitter. Criteria: GeneDx Variant Classification Process June 2021. Collection method: clinical testing. Allele origin: germline. Affected: yes.
Comment: Not observed at significant frequency in large population cohorts (gnomAD); In silico analysis supports that this missense variant has a deleterious effect on protein structure/function; Has not been previously published as pathogenic or benign to our knowledge; This variant is associated with the following publications: (PMID: 25817015)

NM_001605.3(AARS1):c.622G>C (p.Asp208His)

Gene: AARS1 (alanyl-tRNA synthetase 1; minus strand). Cytogenetic location: 16q22.1.
Variant type: single nucleotide variant.
Coding change: c.622G>C on transcript NM_001605.3 (MANE Select); coding-DNA position 622, G replaced by C.
Protein change: p.Asp208His; replaces aspartic acid 208 with histidine.
Molecular consequence: missense variant.
Genome position (GRCh38, 1-based): chr16:70,271,830, C>G on the plus strand (G>C on the coding strand, the complement: AARS1 is on the minus strand). VCF-style: chr16-70271830-C-G. GRCh37 (hg19) VCF-style: chr16-70305733-C-G.
Other names: short protein forms D208H.
Identifiers: ClinVar variation 1682296 (VCV001682296.8), dbSNP rs780893599, ClinGen allele CA8141085.
Genomic context (GRCh38, chr16:70,271,830, plus strand): 5'-CCCAAGGCTACCTGTTATACTGGATGAACACAAGGTTCCAGATCTCCAGCACATTAGGGT[C>G]GTCCTGGTTGACAAGATGTGCGGCGTCCCGACCACCAATCCGGTCGTAGTGGATCTCACT-3'
Protein context (NP_001596.2, residues 198-218): RDAAHLVNQD[Asp208His]PNVLEIWNLV